The following is an entry in ClinVar:

NM_001753.5(CAV1):c.30+214A>C

Gene: CAV1 (caveolin 1; plus strand). Cytogenetic location: 7q31.2.
Variant type: single nucleotide variant.
Coding change: c.30+214A>C on transcript NM_001753.5 (MANE Select); 214 bases into the intron after coding-DNA position 30, A replaced by C.
Molecular consequence: intron variant. On other transcripts: 5 prime UTR variant (1).
Genome position (GRCh38, 1-based): chr7:116,525,306, A>C. VCF-style: chr7-116525306-A-C. GRCh37 (hg19) VCF-style: chr7-116165360-A-C.
Other names: c.-563A>C (NM_001172895.1).
Identifiers: ClinVar variation 672478 (VCV000672478.6), dbSNP rs1997623, ClinGen allele CA4447793.

ClinVar aggregate classification (germline): Benign/Likely benign. Review status: criteria provided, multiple submitters, no conflicts (2 of 4 stars). 6 submissions from 4 submitters: Benign (5); Likely benign (1). Last evaluated 2021-07-14.

Conditions:
Pulmonary hypertension, primary, 3. Identifiers: Orphanet 422, MedGen C3809192, MONDO:0014135, OMIM 615343.
Partial lipodystrophy, congenital cataracts, and neurodegeneration syndrome (FPLD7). Identifiers: MedGen C3807567, MONDO:0011714, OMIM 606721.
Congenital generalized lipodystrophy type 3 (CGL3). Also called: BERARDINELLI-SEIP CONGENITAL LIPODYSTROPHY, TYPE 3. Identifiers: Orphanet 528, Orphanet 696206, MedGen C2675861, MONDO:0012923, OMIM 612526.

Allele frequency attached by ClinVar (database versions not stated): TOPMed 0.80963; 1000 Genomes Project 30x 0.83666; 1000 Genomes Project 0.83686; ExAC 0.84347; gnomAD exomes 0.84863 and 0.86226.

Submissions (6):

Genome-Nilou Lab
Classification: Benign for Congenital generalized lipodystrophy type 3. Last evaluated: 2021-07-14. Review status: criteria provided, single submitter. Criteria: ACMG Guidelines, 2015. Collection method: clinical testing. Allele origin: germline. Affected: no.

Genome-Nilou Lab
Classification: Benign for Partial lipodystrophy, congenital cataracts, and neurodegeneration syndrome. Last evaluated: 2021-07-14. Review status: criteria provided, single submitter. Criteria: ACMG Guidelines, 2015. Collection method: clinical testing. Allele origin: germline. Affected: no.

Genome-Nilou Lab
Classification: Benign for Pulmonary hypertension, primary, 3. Last evaluated: 2021-07-14. Review status: criteria provided, single submitter. Criteria: ACMG Guidelines, 2015. Collection method: clinical testing. Allele origin: germline. Affected: no.

Blueprint Genetics
Classification: Likely benign. Last evaluated: 2018-06-27. Review status: criteria provided, single submitter. Criteria: ACMG Guidelines, 2015. Collection method: clinical testing. Allele origin: germline.

GeneDx
Classification: Benign. Last evaluated: 2018-06-14. Review status: criteria provided, single submitter. Criteria: GeneDx Variant Classification (06012015). Collection method: clinical testing. Allele origin: germline. Affected: yes.
Comment: This variant is considered likely benign or benign based on one or more of the following criteria: it is a conservative change, it occurs at a poorly conserved position in the protein, it is predicted to be benign by multiple in silico algorithms, and/or has population frequency not consistent with disease.

Breakthrough Genomics
Classification: Benign. Review status: criteria provided, single submitter. Criteria: ACMG Guidelines, 2015. Collection method: not provided. Allele origin: germline. Inheritance: Autosomal recessive inheritance. Affected: yes.